The following is an entry in ClinVar:

NM_000350.3(ABCA4):c.6086G>T (p.Gly2029Val)

Gene: ABCA4 (ATP binding cassette subfamily A member 4; minus strand). Cytogenetic location: 1p22.1.
Variant type: single nucleotide variant.
Coding change: c.6086G>T on transcript NM_000350.3 (MANE Select); coding-DNA position 6086, G replaced by T.
Protein change: p.Gly2029Val; replaces glycine 2029 with valine.
Molecular consequence: missense variant.
Genome position (GRCh38, 1-based): chr1:94,005,502, C>A on the plus strand (G>T on the coding strand, the complement: ABCA4 is on the minus strand). VCF-style: chr1-94005502-C-A. GRCh37 (hg19) VCF-style: chr1-94471058-C-A.
Other names: c.5864G>T, p.Gly1955Val (NM_001425324.1); short protein forms G2029V, G1955V.
Identifiers: ClinVar variation 2907280 (VCV002907280.3), dbSNP rs1659354254, ClinGen allele CA341279022.

ClinVar aggregate classification (germline): Pathogenic (1 of 4 stars; one submission).

Allele frequency attached by ClinVar (database versions not stated): TOPMed below 0.00001.
gnomAD v4.1: 1 of 1,614,148 alleles (0.000062%); no homozygotes.

Submission:

Labcorp Genetics (formerly Invitae), Labcorp
Classification: Pathogenic. Last evaluated: 2023-12-04. Review status: criteria provided, single submitter. Criteria: Invitae Variant Classification Sherloc (09022015). Collection method: clinical testing. Allele origin: germline.
Comment: This sequence change replaces glycine, which is neutral and non-polar, with valine, which is neutral and non-polar, at codon 2029 of the ABCA4 protein (p.Gly2029Val). This variant is not present in population databases (gnomAD no frequency). This missense change has been observed in individual(s) with Stargardt disease (PMID: 31106028; Invitae). Advanced modeling of protein sequence and biophysical properties (such as structural, functional, and spatial information, amino acid conservation, physicochemical variation, residue mobility, and thermodynamic stability) performed at Invitae indicates that this missense variant is expected to disrupt ABCA4 protein function with a positive predictive value of 95%. For these reasons, this variant has been classified as Pathogenic.

Literature cited by the submitters: PubMed 31106028.